The following is an entry in ClinVar:

NM_000310.4(PPT1):c.798+1G>T

Gene: PPT1 (palmitoyl-protein thioesterase 1; minus strand). Cytogenetic location: 1p34.2.
Variant type: single nucleotide variant.
Coding change: c.798+1G>T on transcript NM_000310.4 (MANE Select); the canonical splice donor site of the intron after coding-DNA position 798, G replaced by T.
Molecular consequence: splice donor variant. On other transcripts: intron variant (1).
Genome position (GRCh38, 1-based): chr1:40,076,841, C>A on the plus strand (G>T on the coding strand, the complement: PPT1 is on the minus strand). VCF-style: chr1-40076841-C-A. GRCh37 (hg19) VCF-style: chr1-40542513-C-A.
Other names: c.489+1G>T (NM_001142604.2); c.726+1719G>T (NM_001363695.2).
Identifiers: ClinVar variation 237631 (VCV000237631.15), dbSNP rs878853929, ClinGen allele CA10581791.
Genomic context (GRCh38, chr1:40,076,841, plus strand): 5'-GCTTCAGGAACTGGGAGCTGAAAAAACACCAACCTCCCAAGATAGACTCCCTGCCAGTTA[C>A]CTGTGTGTACAGGGAGGTCTCCTGTAAGGGAATGGTTTCCTTGGCTTGGCCACTTCTGTA-3'

ClinVar aggregate classification (germline): Pathogenic/Likely pathogenic. Review status: criteria provided, multiple submitters, no conflicts (2 of 4 stars). 3 submissions from 3 submitters: Pathogenic (1); Likely pathogenic (1). 1 of the submissions does not count toward it. Last evaluated 2024-01-04.

Conditions:
Neuronal ceroid lipofuscinosis 1 (CLN1). Also called: CEROID LIPOFUSCINOSIS, NEURONAL, 1, VARIABLE AGE AT ONSET; PPT1-Related Neuronal Ceroid-Lipofuscinosis. Identifiers: Orphanet 228329, MedGen C1850451, MONDO:0009744, OMIM 256730.

Allele frequency attached by ClinVar (database versions not stated): TOPMed below 0.00001.

Submissions (3):

Baylor Genetics
Classification: Likely pathogenic for Neuronal ceroid lipofuscinosis 1. Last evaluated: 2024-01-04. Review status: criteria provided, single submitter. Criteria: ACMG Guidelines, 2015. Collection method: clinical testing. Allele origin: unknown.

Labcorp Genetics (formerly Invitae), Labcorp
Classification: Pathogenic for Neuronal ceroid lipofuscinosis 1. Last evaluated: 2023-10-03. Review status: criteria provided, single submitter. Criteria: Invitae Variant Classification Sherloc (09022015). Collection method: clinical testing. Allele origin: germline.
Comment: This sequence change affects a donor splice site in intron 8 of the PPT1 gene. While this variant is not anticipated to result in nonsense mediated decay, it likely alters RNA splicing and results in a disrupted protein product. This variant is not present in population databases (gnomAD no frequency). Disruption of this splice site has been observed in individual(s) with clinical features of neuronal ceroid lipofuscinosis (Invitae). In at least one individual the data is consistent with being in trans (on the opposite chromosome) from a pathogenic variant. ClinVar contains an entry for this variant (Variation ID: 237631). Variants that disrupt the consensus splice site are a relatively common cause of aberrant splicing (PMID: 17576681, 9536098). Algorithms developed to predict the effect of sequence changes on RNA splicing suggest that this variant may disrupt the consensus splice site. This variant disrupts a region of the PPT1 protein in which other variant(s) (p.Asp267Thrfs*5) have been determined to be pathogenic (PMID: 9664077, 10649502; Invitae). This suggests that this is a clinically significant region of the protein, and that variants that disrupt it are likely to be disease-causing. For these reasons, this variant has been classified as Pathogenic.

Counsyl
Classification: Likely pathogenic for Neuronal ceroid lipofuscinosis 1. Last evaluated: 2019-07-12. Review status: no assertion criteria provided. Collection method: clinical testing. Allele origin: unknown. Not counted in ClinVar's aggregate classification.

Literature cited by the submitters: PubMed 17576681 (cited by Labcorp Genetics (formerly Invitae), Labcorp); PubMed 9536098 (cited by Labcorp Genetics (formerly Invitae), Labcorp); PubMed 9664077 (cited by Labcorp Genetics (formerly Invitae), Labcorp); PubMed 10649502 (cited by Labcorp Genetics (formerly Invitae), Labcorp).